The following is an entry in ClinVar:

NC_000004.11:g.(?_110862082)_(110901315_?)del

Gene: EGF (epidermal growth factor; plus strand). Cytogenetic location: 4q25.
Variant type: Deletion.
Identifiers: ClinVar variation 1410544 (VCV001410544.4).

ClinVar aggregate classification (germline): Uncertain significance (1 of 4 stars; one submission).

Submission:

Labcorp Genetics (formerly Invitae), Labcorp
Classification: Uncertain significance. Last evaluated: 2022-11-01. Review status: criteria provided, single submitter. Criteria: Invitae Variant Classification Sherloc (09022015). Collection method: clinical testing. Allele origin: germline.
Comment: In summary, the available evidence is currently insufficient to determine the role of this variant in disease. Therefore, it has been classified as a Variant of Uncertain Significance. Experimental studies and prediction algorithms are not available or were not evaluated, and the functional significance of this variant is currently unknown. This variant has not been reported in the literature in individuals affected with EGF-related conditions. This variant is a gross deletion of the genomic region encompassing exon(s) 2-14 of the EGF gene. This variant would be expected to be in-frame, preserving the integrity of the reading frame.